The following is an entry in ClinVar:

NM_005732.4(RAD50):c.881A>T (p.Glu294Val)

Gene: RAD50 (RAD50 double strand break repair protein; plus strand). Cytogenetic location: 5q31.1.
Variant type: single nucleotide variant.
Coding change: c.881A>T on transcript NM_005732.4 (MANE Select); coding-DNA position 881, A replaced by T.
Protein change: p.Glu294Val; replaces glutamic acid 294 with valine.
Molecular consequence: missense variant.
Genome position (GRCh38, 1-based): chr5:132,587,686, A>T. VCF-style: chr5-132587686-A-T. GRCh37 (hg19) VCF-style: chr5-131923378-A-T.
Other names: short protein forms E294V.
Identifiers: ClinVar variation 480437 (VCV000480437.12), dbSNP rs1296577319, ClinGen allele CA360940626.
Genomic context (GRCh38, chr5:132,587,686, plus strand): 5'-CCTTGGATAGCCGAAAGAAGCAAATGGAGAAAGATAATAGTGAACTGGAAGAGAAAATGG[A>T]AAAGGTTTGTGGTGGTAGAATTTTGTTCTGCTTCAAAATTTTGGGATTATTGTAATGAAC-3'
Protein context (NP_005723.2, residues 284-304): KDNSELEEKM[Glu294Val]KVFQGTDEQL

ClinVar aggregate classification (germline): Uncertain significance. Review status: criteria provided, multiple submitters, no conflicts (2 of 4 stars). 2 submissions from 2 submitters: Uncertain significance (2). Last evaluated 2022-08-19.

Conditions:
Hereditary cancer-predisposing syndrome. Also called: Hereditary Cancer Syndrome; Neoplastic Syndromes, Hereditary; Tumor predisposition; Hereditary neoplastic syndrome. Identifiers: Orphanet 140162, MedGen C0027672, MeSH D009386, MONDO:0015356.

Allele frequency attached by ClinVar (database versions not stated): gnomAD exomes below 0.00001.
gnomAD v4.1: 2 of 1,613,694 alleles (0.00012%); highest among the groups gnomAD compares: Non-Finnish European, 0.00017%; no homozygotes.

Submissions (2):

Labcorp Genetics (formerly Invitae), Labcorp
Classification: Uncertain significance for Hereditary cancer-predisposing syndrome. Last evaluated: 2022-08-19. Review status: criteria provided, single submitter. Criteria: Invitae Variant Classification Sherloc (09022015). Collection method: clinical testing. Allele origin: germline.
Comment: In summary, the available evidence is currently insufficient to determine the role of this variant in disease. Therefore, it has been classified as a Variant of Uncertain Significance. Algorithms developed to predict the effect of sequence changes on RNA splicing suggest that this variant may create or strengthen a splice site. This sequence change replaces glutamic acid, which is acidic and polar, with valine, which is neutral and non-polar, at codon 294 of the RAD50 protein (p.Glu294Val). This variant is present in population databases (no rsID available, gnomAD 0.0009%). This variant has not been reported in the literature in individuals affected with RAD50-related conditions. ClinVar contains an entry for this variant (Variation ID: 480437). Algorithms developed to predict the effect of missense changes on protein structure and function are either unavailable or do not agree on the potential impact of this missense change (SIFT: "Deleterious"; PolyPhen-2: "Benign"; Align-GVGD: "Class C0").

Ambry Genetics
Classification: Uncertain significance for Hereditary cancer-predisposing syndrome. Last evaluated: 2020-06-22. Review status: criteria provided, single submitter. Criteria: Ambry Variant Classification Scheme 2023. Collection method: clinical testing. Allele origin: germline.
Comment: The p.E294V variant (also known as c.881A>T), located in coding exon 6 of the RAD50 gene, results from an A to T substitution at nucleotide position 881. The glutamic acid at codon 294 is replaced by valine, an amino acid with dissimilar properties. This amino acid position is highly conserved in available vertebrate species. In addition, the in silico prediction for this alteration is inconclusive. Since supporting evidence is limited at this time, the clinical significance of this alteration remains unclear.